The following is an entry in ClinVar:

ClinVar aggregate classification (germline): Uncertain significance (1 of 4 stars; one submission).

Allele frequency attached by ClinVar (database versions not stated): gnomAD exomes below 0.00001.

Submission:

Labcorp Genetics (formerly Invitae), Labcorp
Classification: Uncertain significance. Last evaluated: 2022-06-27. Review status: criteria provided, single submitter. Criteria: Invitae Variant Classification Sherloc (09022015). Collection method: clinical testing. Allele origin: germline.
Comment: In summary, the available evidence is currently insufficient to determine the role of this variant in disease. Therefore, it has been classified as a Variant of Uncertain Significance. Algorithms developed to predict the effect of missense changes on protein structure and function (SIFT, PolyPhen-2, Align-GVGD) all suggest that this variant is likely to be disruptive. This variant has not been reported in the literature in individuals affected with IMPG2-related conditions. This variant is present in population databases (no rsID available, gnomAD 0.007%). This sequence change replaces tryptophan, which is neutral and slightly polar, with cysteine, which is neutral and slightly polar, at codon 323 of the IMPG2 protein (p.Trp323Cys).

NM_016247.4(IMPG2):c.969G>C (p.Trp323Cys)

Gene: IMPG2 (interphotoreceptor matrix proteoglycan 2; minus strand). Cytogenetic location: 3q12.3.
Variant type: single nucleotide variant.
Coding change: c.969G>C on transcript NM_016247.4 (MANE Select); coding-DNA position 969, G replaced by C.
Protein change: p.Trp323Cys; replaces tryptophan 323 with cysteine.
Molecular consequence: missense variant.
Genome position (GRCh38, 1-based): chr3:101,257,713, C>G on the plus strand (G>C on the coding strand, the complement: IMPG2 is on the minus strand). VCF-style: chr3-101257713-C-G. GRCh37 (hg19) VCF-style: chr3-100976557-C-G.
Other names: short protein forms W323C.
Identifiers: ClinVar variation 1470087 (VCV001470087.6), dbSNP rs1210475358, ClinGen allele CA353866167.